The following is an entry in ClinVar:

NM_000458.4(HNF1B):c.376A>G (p.Lys126Glu)

Gene: HNF1B (HNF1 homeobox B; minus strand). Cytogenetic location: 17q12.
Variant type: single nucleotide variant.
Coding change: c.376A>G on transcript NM_000458.4 (MANE Select); coding-DNA position 376, A replaced by G.
Protein change: p.Lys126Glu; replaces lysine 126 with glutamic acid.
Molecular consequence: missense variant.
Genome position (GRCh38, 1-based): chr17:37,739,608, T>C on the plus strand (A>G on the coding strand, the complement: HNF1B is on the minus strand). VCF-style: chr17-37739608-T-C. GRCh37 (hg19) VCF-style: chr17-36099599-T-C.
Other names: c.376A>G, p.Lys126Glu (NM_001165923.4, NM_001304286.2, NM_001411100.1); short protein forms K126E.
Identifiers: ClinVar variation 2430698 (VCV002430698.2), dbSNP rs2511829849, ClinGen allele CA398751687.

ClinVar aggregate classification (germline): Uncertain significance (1 of 4 stars; one submission).

Submission:

GeneDx
Classification: Uncertain significance. Last evaluated: 2025-09-09. Review status: criteria provided, single submitter. Criteria: GeneDx Variant Classification Process June 2021. Collection method: clinical testing. Allele origin: germline.
Comment: Not observed at significant frequency in large population cohorts (gnomAD); In silico analysis supports that this missense variant has a deleterious effect on protein structure/function; Has not been previously published as pathogenic or benign to our knowledge